The following is an entry in ClinVar:

NM_016030.6(TRAPPC12):c.1093G>A (p.Ala365Thr)

Gene: TRAPPC12 (trafficking protein particle complex subunit 12; plus strand). Cytogenetic location: 2p25.3.
Variant type: single nucleotide variant.
Coding change: c.1093G>A on transcript NM_016030.6 (MANE Select); coding-DNA position 1093, G replaced by A.
Protein change: p.Ala365Thr; replaces alanine 365 with threonine.
Molecular consequence: missense variant.
Genome position (GRCh38, 1-based): chr2:3,401,822, G>A. VCF-style: chr2-3401822-G-A. GRCh37 (hg19) VCF-style: chr2-3405593-G-A.
Other names: c.1093G>A, p.Ala365Thr (NM_001321102.2); short protein forms A365T.
Identifiers: ClinVar variation 2048543 (VCV002048543.1), dbSNP rs138605007, ClinGen allele CA1515295.

ClinVar aggregate classification (germline): Uncertain significance (1 of 4 stars; one submission).

Allele frequency attached by ClinVar (database versions not stated): ExAC 0.00019; gnomAD 0.00028; TOPMed 0.00033; ESP Exome Variant Server 0.00046.
gnomAD v4.1: 1,136 of 1,601,018 alleles (0.071%); highest among the groups gnomAD compares: Non-Finnish European, 0.092%; 3 homozygotes.

Submission:

Labcorp Genetics (formerly Invitae), Labcorp
Classification: Uncertain significance. Last evaluated: 2022-05-27. Review status: criteria provided, single submitter. Criteria: Invitae Variant Classification Sherloc (09022015). Collection method: clinical testing. Allele origin: germline.
Comment: This sequence change replaces alanine, which is neutral and non-polar, with threonine, which is neutral and polar, at codon 365 of the TRAPPC12 protein (p.Ala365Thr). This variant is present in population databases (rs138605007, gnomAD 0.06%). This variant has not been reported in the literature in individuals affected with TRAPPC12-related conditions. Algorithms developed to predict the effect of missense changes on protein structure and function are either unavailable or do not agree on the potential impact of this missense change (SIFT: "Not Available"; PolyPhen-2: "Benign"; Align-GVGD: "Not Available"). In summary, the available evidence is currently insufficient to determine the role of this variant in disease. Therefore, it has been classified as a Variant of Uncertain Significance.